The following is an entry in ClinVar:

NM_014336.5(AIPL1):c.364G>A (p.Gly122Arg)

Gene: AIPL1 (AIP like 1 HSP90 co-chaperone; minus strand). Cytogenetic location: 17p13.2.
Variant type: single nucleotide variant.
Coding change: c.364G>A on transcript NM_014336.5 (MANE Select); coding-DNA position 364, G replaced by A.
Protein change: p.Gly122Arg; replaces glycine 122 with arginine.
Molecular consequence: missense variant. On other transcripts: intron variant (1).
Genome position (GRCh38, 1-based): chr17:6,428,419, C>T on the plus strand (G>A on the coding strand, the complement: AIPL1 is on the minus strand). VCF-style: chr17-6428419-C-T. GRCh37 (hg19) VCF-style: chr17-6331739-C-T.
Other names: NM_014336.5(AIPL1):c.364G>A; p.Gly122Arg; c.184G>A, p.Gly62Arg (NM_001033055.3); c.328G>A, p.Gly110Arg (NM_001285399.3); c.298G>A, p.Gly100Arg (NM_001285400.3); c.364G>A, p.Gly122Arg (NM_001285401.3, NM_001285403.4); c.247G>A, p.Gly83Arg (NM_001285402.2); c.277-1362G>A (NM_001033054.3); short protein forms G110R, G122R, G83R, G100R, G62R.
Identifiers: ClinVar variation 2152271 (VCV002152271.5), dbSNP rs201883601, ClinGen allele CA397396361.

ClinVar aggregate classification (germline): Likely pathogenic. Review status: reviewed by expert panel (3 of 4 stars). 2 submissions from 2 submitters: Likely pathogenic (1). 1 of the submissions does not count toward it. Last evaluated 2025-09-29.

Conditions:
AIPL1-related retinopathy. Also called: AIPL1 retinopathy. Identifiers: MedGen CN305590, MONDO:0100438.
Leber congenital amaurosis 4 (LCA4). Identifiers: MedGen C1858386, MONDO:0011458, OMIM 604393.

gnomAD v4.1: 10 of 1,613,572 alleles (0.00062%); highest among the groups gnomAD compares: Non-Finnish European, 0.00068%; no homozygotes.

Submissions (2):

ClinGen Leber Congenital Amaurosis/early Onset Retinal Dystrophy Variant Curation Expert Panel, ClinGen
Classification: Likely pathogenic for AIPL1-related retinopathy. Last evaluated: 2025-09-29. Review status: reviewed by expert panel. Criteria: ClinGen LCAeoRD ACMG Specifications AIPL1 V1.0.0. Collection method: curation. Allele origin: germline. Inheritance: Autosomal recessive inheritance.
Comment: NM_014336.5(AIPL1):c.364G>A (p.Gly122Arg) is a missense variant predicted to replace glycine with arginine at amino acid 122. This variant is present in gnomAD v.4.1.0 at a total allele frequency of 0.000006197, with 10 / 1613572 total alleles, which is lower than the ClinGen LCA/eoRD VCEP PM2_Supporting threshold of <0.0004 (PM2_Supporting). This variant has been reported in 2 probands with early-onset severe retinal dystrophy who were compound heterozygous with the p.Trp278Ter variant suspected in trans (1 point, PMIDs: 20702822, 21474771), which was previously classified pathogenic by the ClinGen LCA/eoRD VCEP (1 total point, PM3). At least one proband harboring this variant exhibits a phenotype including reduced visual acuity (1 pt), nyctalopia (0.5 pts), abnormal peripheral vision (1 pt) from the first decade of life (1 pt), pigmentary retinal degeneration with atrophy (1 pt), optic nerve drusen (0.5 pts), abnormal electroretinogram responses from both rods (0.5 pts) and cones (1 pt), and maculopathy (0.5 pts), which together are specific for AIPL1-related retinopathy (total 7 points, PMID: 20702822, PP4). The computational predictor REVEL gives a score of 0.851, which is above the ClinGen LCA/eoRD VCEP threshold of ≥0.774 and predicts a damaging effect on AIPL1 protein function (PP3_Moderate). Additionally, the splicing impact predictor SpliceAI gives a score of 0.11, which is below the ClinGen LCA/eoRD VCEP recommended threshold of ≥0.2 and does not strongly predict an impact on splicing. The variant was associated with 60-70% PDE6 enzymatic activity in a cGMP hydrolysis assay relative to the wild-type control, which was comparable to the negative control lacking AIPL1, indicating that it triggers a severe defect in protein function (PMID: 33067476, PS3_Supporting). In summary, this variant meets the criteria to be classified as Likely Pathogenic for AIPL1-related retinopathy based on the ACMG/AMP criteria applied, as specified by the ClinGen LCA/eoRD VCEP: PM2_supporting, PP3_moderate, PP4_supporting, PM3_moderate, and PS3_Supporting. (VCEP specifications version 1.0.0; date of approval 09/24/2025).

Labcorp Genetics (formerly Invitae), Labcorp
Classification: Pathogenic for Leber congenital amaurosis 4. Last evaluated: 2023-12-25. Review status: criteria provided, single submitter. Criteria: Invitae Variant Classification Sherloc (09022015). Collection method: clinical testing. Allele origin: germline. Not counted in ClinVar's aggregate classification.
Comment: This sequence change replaces glycine, which is neutral and non-polar, with arginine, which is basic and polar, at codon 122 of the AIPL1 protein (p.Gly122Arg). This variant is not present in population databases (gnomAD no frequency). This missense change has been observed in individuals with AIPL1-related conditions (PMID: 21474771, 29641573, 33067476). ClinVar contains an entry for this variant (Variation ID: 2152271). Advanced modeling of protein sequence and biophysical properties (such as structural, functional, and spatial information, amino acid conservation, physicochemical variation, residue mobility, and thermodynamic stability) performed at Invitae indicates that this missense variant is expected to disrupt AIPL1 protein function with a positive predictive value of 80%. Experimental studies have shown that this missense change affects AIPL1 function (PMID: 33067476). For these reasons, this variant has been classified as Pathogenic.

Literature cited by the submitters: PubMed 33067476 (cited by ClinGen Leber Congenital Amaurosis/early Onset Retinal Dystrophy Variant Curation Expert Panel, ClinGen and Labcorp Genetics (formerly Invitae), Labcorp); PubMed 21474771 (cited by Labcorp Genetics (formerly Invitae), Labcorp); PubMed 29641573 (cited by Labcorp Genetics (formerly Invitae), Labcorp).